The following is an entry in ClinVar:

ClinVar aggregate classification (germline): Conflicting classifications of pathogenicity. Review status: criteria provided, conflicting classifications (1 of 4 stars). 2 submissions from 2 submitters: Pathogenic (1); Uncertain significance (1). Last evaluated 2025-12-08.

Conditions:
Cardiovascular phenotype. Identifiers: MedGen CN230736.
Dilated cardiomyopathy 1DD (CMD1DD). Identifiers: Orphanet 154, MedGen C2750995, MONDO:0013168, OMIM 613172.

Submissions (2):

Labcorp Genetics (formerly Invitae), Labcorp
Classification: Pathogenic for Dilated cardiomyopathy 1DD. Last evaluated: 2025-12-08. Review status: criteria provided, single submitter. Criteria: Invitae Variant Classification Sherloc (09022015). Collection method: clinical testing. Allele origin: germline.
Comment: This sequence change creates a premature translational stop signal (p.Leu408Serfs*17) in the RBM20 gene. It is expected to result in an absent or disrupted protein product. Loss-of-function variants in RBM20 are known to be pathogenic (PMID: 20590677, 22004663, 38288598, 38510713, 40339755). This variant is not present in population databases (gnomAD no frequency). This variant has not been reported in the literature in individuals affected with RBM20-related conditions. ClinVar contains an entry for this variant (Variation ID: 1374687). Algorithms developed to predict the effect of sequence changes on RNA splicing suggest that this variant may disrupt the consensus splice site. For these reasons, this variant has been classified as Pathogenic.

Ambry Genetics
Classification: Uncertain significance for Cardiovascular phenotype. Last evaluated: 2023-11-21. Review status: criteria provided, single submitter. Criteria: Ambry Variant Classification Scheme 2023. Collection method: clinical testing. Allele origin: germline.
Comment: The c.1222delC variant, located in coding exon 2 of the RBM20 gene, results from a deletion of one nucleotide at nucleotide position 1222, causing a translational frameshift with a predicted alternate stop codon (p.L408Sfs*17). This alteration is expected to result in protein truncation or nonsense-mediated mRNA decay. However, loss of function of RBM20 has not been established as a mechanism of disease. Since supporting evidence is limited at this time, the clinical significance of this alteration remains unclear.

Literature cited by the submitters: PubMed 20590677 (cited by Labcorp Genetics (formerly Invitae), Labcorp); PubMed 22004663 (cited by Labcorp Genetics (formerly Invitae), Labcorp); PubMed 38288598 (cited by Labcorp Genetics (formerly Invitae), Labcorp); PubMed 38510713 (cited by Labcorp Genetics (formerly Invitae), Labcorp); PubMed 40339755 (cited by Labcorp Genetics (formerly Invitae), Labcorp).

NM_001134363.3(RBM20):c.1222del (p.Leu408fs)

Gene: RBM20 (RNA binding motif protein 20; plus strand). Cytogenetic location: 10q25.2.
Variant type: Deletion.
Coding change: c.1222del on transcript NM_001134363.3 (MANE Select); coding-DNA position 1222, one base deleted (C; older notation c.1222delC).
Protein change: p.Leu408fs; shifts the reading frame from leucine 408.
Molecular consequence: frameshift variant.
Genome position (GRCh38, 1-based): chr10:110,781,831, C deleted; the last of 6 consecutive C bases (chr10:110,781,826-110,781,831); deleting any one gives the same sequence. VCF-style (leftmost placement, unchanged base first): chr10-110781825-GC-G. GRCh37 (hg19) VCF-style: chr10-112541583-GC-G.
Other names: c.1222delC (NM_001134363.1); short protein forms L408fs.
Identifiers: ClinVar variation 1374687 (VCV001374687.7), dbSNP rs1564844428, ClinGen allele CA471365020.